The following is an entry in ClinVar:

ClinVar aggregate classification (germline): Likely benign (1 of 4 stars; one submission).

Allele frequency attached by ClinVar (database versions not stated): gnomAD 0.00003; TOPMed 0.00003; gnomAD exomes 0.00006.
gnomAD v4.1: 84 of 1,543,416 alleles (0.0054%); highest among the groups gnomAD compares: Non-Finnish European, 0.007%; no homozygotes.

Submission:

CeGaT Center for Human Genetics Tuebingen
Classification: Likely benign. Last evaluated: 2022-03-01. Review status: criteria provided, single submitter. Criteria: CeGaT Center For Human Genetics Tuebingen Variant Classification Criteria Version 2. Collection method: clinical testing. Allele origin: germline. Affected: yes. Observed: 1 variant allele.
Comment: C2orf69: BP4

NM_153689.6(C2orf69):c.17T>C (p.Leu6Pro)

Genes: C2orf69 (chromosome 2 open reading frame 69; plus strand), LOC129935377 (ATAC-STARR-seq lymphoblastoid active region 16950; plus strand). Cytogenetic location: 2q33.1.
Variant type: single nucleotide variant.
Coding change: c.17T>C on transcript NM_153689.6 (MANE Select); coding-DNA position 17, T replaced by C.
Protein change: p.Leu6Pro; replaces leucine 6 with proline.
Molecular consequence: missense variant.
Genome position (GRCh38, 1-based): chr2:199,911,455, T>C. VCF-style: chr2-199911455-T-C. GRCh37 (hg19) VCF-style: chr2-200776178-T-C.
Other names: short protein forms L6P.
Identifiers: ClinVar variation 2651804 (VCV002651804.24), dbSNP rs975636316, ClinGen allele CA63782663.